The following is an entry in ClinVar:

NM_004187.5(KDM5C):c.4481A>T (p.Glu1494Val)

Gene: KDM5C (lysine demethylase 5C; minus strand). Cytogenetic location: Xp11.22.
Variant type: single nucleotide variant.
Coding change: c.4481A>T on transcript NM_004187.5 (MANE Select); coding-DNA position 4481, A replaced by T.
Protein change: p.Glu1494Val; replaces glutamic acid 1494 with valine.
Molecular consequence: missense variant. On other transcripts: intron variant (5).
Genome position (GRCh38, 1-based): chrX:53,193,169, T>A on the plus strand (A>T on the coding strand, the complement: KDM5C is on the minus strand). VCF-style: chrX-53193169-T-A. GRCh37 (hg19) VCF-style: chrX-53222351-T-A.
Other names: NC_000023.10:g.53222351T>A; c.4478A>T, p.Glu1493Val (NM_001282622.3); c.4472A>T, p.Glu1491Val (NM_001353978.3); c.4305+268A>T (NM_001353982.2); c.4314+268A>T (NM_001353979.2); c.4308+268A>T (NM_001353981.2, NM_001353984.2); c.4046+329A>T (NM_001146702.2); c.4481A>T (NM_004187.3); short protein forms E1491V, E1493V, E1494V.
Identifiers: ClinVar variation 1303466 (VCV001303466.4), dbSNP rs2146812243, ClinGen allele CA413104400.

ClinVar aggregate classification (germline): Uncertain significance. Review status: criteria provided, multiple submitters, no conflicts (2 of 4 stars). 2 submissions from 2 submitters: Uncertain significance (2). Last evaluated 2025-06-11.

Conditions:
Inborn genetic diseases. Identifiers: MedGen C0950123, MeSH D030342.

Allele frequency attached by ClinVar (database versions not stated): gnomAD exomes below 0.00001.
gnomAD v4.1: 1 of 1,210,645 alleles (0.000083%); highest among the groups gnomAD compares: Non-Finnish European, 0.00011%; no homozygotes.

Submissions (3):

Ambry Genetics
Classification: Uncertain significance for Inborn genetic diseases. Last evaluated: 2025-06-11. Review status: criteria provided, single submitter. Criteria: Ambry Variant Classification Scheme 2023. Collection method: clinical testing. Allele origin: germline.

GeneDx
Classification: Uncertain significance. Last evaluated: 2019-09-18. Review status: criteria provided, single submitter. Criteria: GeneDx Variant Classification Process June 2021. Collection method: clinical testing. Allele origin: germline. Affected: yes.
Comment: Not observed in large population cohorts (Lek et al., 2016); In silico analysis, which includes protein predictors and evolutionary conservation, supports that this variant does not alter protein structure/function; Has not been previously published as pathogenic or benign to our knowledge

Dr. Peter K. Rogan Lab, Western University
No classification provided (evidence only). Condition: Thyroid cancer, nonmedullary, 1. Review status: no classification provided. Collection method: in vitro. Allele origin: not applicable. Functional consequence: retained intron. Not counted in ClinVar's aggregate classification.